The following is an entry in ClinVar:

NM_005585.5(SMAD6):c.125G>C (p.Arg42Pro)

Gene: SMAD6 (SMAD family member 6; plus strand). Cytogenetic location: 15q22.31.
Variant type: single nucleotide variant.
Coding change: c.125G>C on transcript NM_005585.5 (MANE Select); coding-DNA position 125, G replaced by C.
Protein change: p.Arg42Pro; replaces arginine 42 with proline.
Molecular consequence: missense variant. On other transcripts: non-coding transcript variant (1).
Genome position (GRCh38, 1-based): chr15:66,703,383, G>C. VCF-style: chr15-66703383-G-C. GRCh37 (hg19) VCF-style: chr15-66995721-G-C.
Other names: short protein forms R42P.
Identifiers: ClinVar variation 4170085 (VCV004170085.2).

ClinVar aggregate classification (germline): Uncertain significance (1 of 4 stars; one submission).

Conditions:
Inborn genetic diseases. Identifiers: MedGen C0950123, MeSH D030342.

gnomAD v4.1: 2 of 1,435,892 alleles (0.00014%); highest among the groups gnomAD compares: Admixed American, 0.0058%; no homozygotes.

Submission:

Ambry Genetics
Classification: Uncertain significance for Inborn genetic diseases. Last evaluated: 2026-06-20. Review status: criteria provided, single submitter. Criteria: Ambry Variant Classification Scheme 2023. Collection method: clinical testing. Allele origin: germline.
Comment: The p.R42P variant (also known as c.125G>C), located in coding exon 1 of the SMAD6 gene, results from a G to C substitution at nucleotide position 125. The arginine at codon 42 is replaced by proline, an amino acid with dissimilar properties. This amino acid position is conserved. In addition, this alteration is predicted to be tolerated by in silico analysis. Based on the available evidence, the clinical significance of this variant remains unclear.